The following is an entry in ClinVar:

ClinVar aggregate classification (germline): Benign (1 of 4 stars; one submission).

Conditions:
Familial cancer of breast. Also called: BREAST CANCER, FAMILIAL; Hereditary breast cancer; hereditary breast carcinoma. Identifiers: Orphanet 227535, MedGen C0346153, MONDO:0016419, OMIM 114480. Disease mechanism: loss of function.

Allele frequency attached by ClinVar (database versions not stated): gnomAD exomes below 0.00001.
gnomAD v4.1: 2 of 1,584,040 alleles (0.00013%); highest among the groups gnomAD compares: South Asian, 0.0011%; no homozygotes.

Submission:

Myriad Genetics, Inc.
Classification: Benign for Familial cancer of breast. Last evaluated: 2024-05-20. Review status: criteria provided, single submitter. Criteria: Myriad Autosomal Dominant, Autosomal Recessive and X-Linked Classification Criteria (2023). Collection method: clinical testing. Allele origin: unknown.
Comment: This variant is considered benign. This variant is a silent/synonymous amino acid change and it is not expected to impact splicing.

NM_000051.4(ATM):c.4650G>A (p.Lys1550=)

Gene: ATM (ATM serine/threonine kinase; plus strand). Cytogenetic location: 11q22.3.
Variant type: single nucleotide variant.
Coding change: c.4650G>A on transcript NM_000051.4 (MANE Select); coding-DNA position 4650, G replaced by A.
Protein change: p.Lys1550=; no amino-acid change (lysine 1550 retained).
Molecular consequence: synonymous variant.
Genome position (GRCh38, 1-based): chr11:108,293,351, G>A. VCF-style: chr11-108293351-G-A. GRCh37 (hg19) VCF-style: chr11-108164078-G-A.
Other names: c.4650G>A, p.Lys1550= (NM_001351834.2).
Identifiers: ClinVar variation 3253880 (VCV003253880.1), dbSNP rs876660003.